The following is an entry in ClinVar:

NR_029422.2(RNU12):n.84C>T

Gene: RNU12 (RNA, U12 small nuclear; plus strand). Cytogenetic location: 22q13.2.
Variant type: single nucleotide variant.
Molecular consequence: non-coding transcript variant (on NR_029422.2).
Genome position: GRCh38 VCF-style: chr22-42615327-C-T. GRCh37 (hg19) VCF-style: chr22-43011333-C-T.
Other names: 43,011,333C-T.
Identifiers: ClinVar variation 2443782 (VCV002443782.6), dbSNP rs562254327, ClinGen allele CA324729833.

ClinVar aggregate classification (germline): Pathogenic. Review status: criteria provided, single submitter (1 of 4 stars). 2 submissions from 2 submitters: Pathogenic (1). 1 of the submissions does not count toward it.

Conditions:
Spinocerebellar ataxia, autosomal recessive 33 (SCAR33). Identifiers: MedGen C5774297, MONDO:0859360, OMIM 620208.

gnomAD v4.1: 10 of 172,464 alleles (0.0058%); highest among the groups gnomAD compares: African/African-American, 0.0072%; no homozygotes.

Submissions (2):

Institute of Human Genetics Munich, TUM University Hospital
Classification: Pathogenic for Spinocerebellar ataxia, autosomal recessive 33. Review status: criteria provided, single submitter. Criteria: Classification criteria August 2017. Collection method: clinical testing. Allele origin: unknown. Inheritance: Autosomal recessive inheritance. Affected: yes. Observed: 1 variant allele.

OMIM
Classification: Pathogenic for SPINOCEREBELLAR ATAXIA, AUTOSOMAL RECESSIVE 33 (1 family). Last evaluated: 2026-05-12. Review status: no assertion criteria provided. Collection method: literature only. Allele origin: germline. Not counted in ClinVar's aggregate classification.

Literature cited by the submitters: PubMed 27863452 (cited by OMIM).